The following is an entry in ClinVar:

ClinVar aggregate classification (germline): Conflicting classifications of pathogenicity. Review status: criteria provided, conflicting classifications (1 of 4 stars). 4 submissions from 4 submitters: Uncertain significance (2); Likely benign (2). Last evaluated 2026-02-02.

Conditions:
TNXB-related disorder. Also called: TNXB-related condition.
Cardiovascular phenotype. Identifiers: MedGen CN230736.

Allele frequency attached by ClinVar (database versions not stated): gnomAD exomes 0.00004 and 0.00007; gnomAD 0.00005 and 0.00006; ExAC 0.00006; TOPMed 0.00008.
gnomAD v4.1: 70 of 1,606,046 alleles (0.0044%); highest among the groups gnomAD compares: South Asian, 0.0022%; no homozygotes.

Submissions (4):

Women's Health and Genetics/Laboratory Corporation of America, LabCorp
Classification: Uncertain significance. Last evaluated: 2026-02-02. Review status: criteria provided, single submitter. Criteria: LabCorp Variant Classification Summary - May 2015. Collection method: clinical testing. Allele origin: germline.
Comment: Variant summary: TNXB c.7513G>A (p.Glu2505Lys) results in a conservative amino acid change in the encoded protein sequence. Algorithms developed to predict the effect of missense changes on protein structure and function all suggest that this variant is likely to be tolerated. The variant allele was found at a frequency of 7.2e-05 in 235064 control chromosomes. This frequency is not significantly higher than estimated for disease-causing variants in TNXB, allowing no conclusion about variant significance. To our knowledge, no occurrence of c.7513G>A in individuals affected with TNXB-related conditions and no experimental evidence demonstrating its impact on protein function have been reported. ClinVar contains an entry for this variant (Variation ID: 423949). Based on the evidence outlined above, the variant was classified as uncertain significance.

PreventionGenetics, part of Exact Sciences
Classification: Likely benign for TNXB-related condition. Last evaluated: 2025-07-03. Review status: criteria provided, single submitter. Criteria: ACMG Guidelines, 2015. Collection method: clinical testing. Allele origin: germline.
Comment: This variant is classified as likely benign based on ACMG/AMP sequence variant interpretation guidelines (Richards et al. 2015 PMID: 25741868, with internal and published modifications).

GeneDx
Classification: Uncertain significance. Last evaluated: 2023-11-22. Review status: criteria provided, single submitter. Criteria: GeneDx Variant Classification Process June 2021. Collection method: clinical testing. Allele origin: germline. Affected: yes.
Comment: In silico analysis supports that this missense variant does not alter protein structure/function; Has not been previously published as pathogenic or benign to our knowledge

Ambry Genetics
Classification: Likely benign for Cardiovascular phenotype. Last evaluated: 2023-01-27. Review status: criteria provided, single submitter. Criteria: Ambry Variant Classification Scheme 2023. Collection method: clinical testing. Allele origin: germline.

NM_001365276.2(TNXB):c.7513G>A (p.Glu2505Lys)

Gene: TNXB (tenascin XB; minus strand). Cytogenetic location: 6p21.33.
Variant type: single nucleotide variant.
Coding change: c.7513G>A on transcript NM_001365276.2 (MANE Select); coding-DNA position 7513, G replaced by A.
Protein change: p.Glu2505Lys; replaces glutamic acid 2505 with lysine.
Molecular consequence: missense variant.
Genome position (GRCh38, 1-based): chr6:32,058,370, C>T on the plus strand (G>A on the coding strand, the complement: TNXB is on the minus strand). VCF-style: chr6-32058370-C-T. GRCh37 (hg19) VCF-style: chr6-32026147-C-T.
Other names: c.7513G>A, p.Glu2505Lys (NM_019105.8); short protein forms E2505K.
Identifiers: ClinVar variation 423949 (VCV000423949.9), dbSNP rs61731831, ClinGen allele CA3734123.
Genomic context (GRCh38, chr6:32,058,370, plus strand): 5'-GGAGAGGCTCCTCGGGGGGCCCTGGGGCCTCTGTGCCTGGTTCTGTAGGGCTGGGGGTCT[C>T]GTCCACATCCTCTTGTGGGGCTGAAAGGTAATATAGGGGGATACAGAGTTTAAGGGTTTA-3'
Protein context (NP_001352205.1, residues 2495-2515): GVTAPQEDVD[Glu2505Lys]TPSPTEPGTE